The following is an entry in ClinVar:

NM_024642.5(GALNT12):c.1270G>C (p.Asp424His)

Gene: GALNT12 (polypeptide N-acetylgalactosaminyltransferase 12; plus strand). Cytogenetic location: 9q22.33.
Variant type: single nucleotide variant.
Coding change: c.1270G>C on transcript NM_024642.5 (MANE Select); coding-DNA position 1270, G replaced by C.
Protein change: p.Asp424His; replaces aspartic acid 424 with histidine.
Molecular consequence: missense variant.
Genome position (GRCh38, 1-based): chr9:98,840,059, G>C. VCF-style: chr9-98840059-G-C. GRCh37 (hg19) VCF-style: chr9-101602341-G-C.
Other names: short protein forms D424H.
Identifiers: ClinVar variation 485679 (VCV000485679.8), dbSNP rs1554756832, ClinGen allele CA374220999.

ClinVar aggregate classification (germline): Uncertain significance. Review status: criteria provided, multiple submitters, no conflicts (2 of 4 stars). 2 submissions from 2 submitters: Uncertain significance (2). Last evaluated 2025-04-23.

Submissions (2):

Labcorp Genetics (formerly Invitae), Labcorp
Classification: Uncertain significance. Last evaluated: 2025-04-23. Review status: criteria provided, single submitter. Criteria: Invitae Variant Classification Sherloc (09022015). Collection method: clinical testing. Allele origin: germline.
Comment: This sequence change replaces aspartic acid, which is acidic and polar, with histidine, which is basic and polar, at codon 424 of the GALNT12 protein (p.Asp424His). This variant is not present in population databases (gnomAD no frequency). This variant has not been reported in the literature in individuals affected with GALNT12-related conditions. ClinVar contains an entry for this variant (Variation ID: 485679). Invitae Evidence Modeling of protein sequence and biophysical properties (such as structural, functional, and spatial information, amino acid conservation, physicochemical variation, residue mobility, and thermodynamic stability) indicates that this missense variant is not expected to disrupt GALNT12 protein function with a negative predictive value of 80%. In summary, the available evidence is currently insufficient to determine the role of this variant in disease. Therefore, it has been classified as a Variant of Uncertain Significance.

Ambry Genetics
Classification: Uncertain significance. Last evaluated: 2025-02-24. Review status: criteria provided, single submitter. Criteria: Ambry Variant Classification Scheme 2023. Collection method: clinical testing. Allele origin: germline.
Comment: The p.D424H variant (also known as c.1270G>C), located in coding exon 7 of the GALNT12 gene, results from a G to C substitution at nucleotide position 1270. The aspartic acid at codon 424 is replaced by histidine, an amino acid with similar properties. This amino acid position is highly conserved through mammals but not in all available vertebrate species. In addition, this alteration is predicted to be tolerated by in silico analysis. Since supporting evidence is limited at this time, the clinical significance of this alteration remains unclear.